The following continues an entry in ClinVar:

NM_000038.6(APC):c.509_512del (p.Asp170fs)

Gene: APC. ClinVar aggregate classification (germline): Pathogenic. Pathogenic (1).

Submissions 11 to 14 of 14:

ARUP Laboratories, Molecular Genetics and Genomics, ARUP Laboratories
Classification: Pathogenic. Last evaluated: 2019-11-22. Review status: criteria provided, single submitter. Criteria: ARUP Molecular Germline Variant Investigation Process. Collection method: clinical testing. Allele origin: germline. Not counted in ClinVar's aggregate classification.
Comment: The APC c.509_512delATAG; p.Asp170fs variant (rs387906231), also known as c.505_508delATAG, is reported in the literature in multiple individuals affected with familial adenomatous polyposis (Dobbie 1996, Enomoto 2000, Filipe 2009, Friedl 2001, Friedl 2005, Miyaki 1994, van der Luijt 1997). This variant is reported in ClinVar (Variation ID: 804), and is absent from the Genome Aggregation Database, but is considered a low confidence variant in the database. This variant causes a frameshift by deleting 4 nucleotides, so it is predicted to result in a truncated protein or mRNA subject to nonsense-mediated decay. Loss-of-function variants in APC are a common mechanism for pathogenicity, and several downstream truncating nonsense and frameshift variants have been reported in individuals with familial adenomatous polyposis (Friedl 2005, Kerr 2013). Based on available information, this variant is considered to be pathogenic. References: Dobbie Z et al. Correlation between the development of extracolonic manifestations in FAP patients and mutations beyond codon 1403 in the APC gene. J Med Genet. 1996 Apr;33(4):274-80. Enomoto M et al. The relationship between frequencies of extracolonic manifestations and the position of APC germline mutation in patients with familial adenomatous polyposis. Jpn J Clin Oncol. 2000 Feb;30(2):82-8. Filipe B et al. APC or MUTYH mutations account for the majority of clinically well-characterized families with FAP and AFAP phenotype and patients with more than 30 adenomas. Clin Genet. 2009 Sep;76(3):242-55. Friedl W et al. Can APC mutation analysis contribute to therapeutic decisions in familial adenomatous polyposis? Experience from 680 FAP families. Gut. 2001 Apr;48(4):515-21. Friedl W and Aretz S. Familial adenomatous polyposis: experience from a study of 1164 unrelated german polyposis patients. Hered Cancer Clin Pract. 2005 Sep 15;3(3):95-114. Kerr SE et al. APC germline mutations in individuals being evaluated for familial adenomatous polyposis: a review of the Mayo Clinic experience with 1591 consecutive tests. J Mol Diagn. 2013 Jan;15(1):31-43. Miyaki M et al. Characteristics of somatic mutation of the adenomatous polyposis coli gene in colorectal tumors. Cancer Res. 1994 Jun 1;54(11):3011-20. van der Luijt RB et al. Molecular analysis of the APC gene in 105 Dutch kindreds with familial adenomatous polyposis: 67 germline mutations identified by DGGE, PTT, and southern analysis. Hum Mutat. 1997;9(1):7-16.

OMIM
Classification: Pathogenic for FAMILIAL ADENOMATOUS POLYPOSIS 1. Last evaluated: 1992-08-01. Review status: no assertion criteria provided. Collection method: literature only. Allele origin: germline. Not counted in ClinVar's aggregate classification.

Department of Pathology and Laboratory Medicine, Sinai Health System
Classification: Pathogenic for Familial adenomatous polyposis 1. Review status: no assertion criteria provided. Collection method: clinical testing. Allele origin: unknown. Affected: yes. Observed: 1 variant allele. Study: The Canadian Open Genetics Repository (COGR). Not counted in ClinVar's aggregate classification.
Comment: The APC p.Asp170ValfsX4 variant was identified in 13 of 4400 proband chromosomes (frequency: 0.003) from Dutch, German, French and French (Quebec) Canadian individuals or families with FAP (van der Luijt 1997, Friedl 2005, Jarry 2011, Lagarde 2010). The variant was also identified in a genome wide study of cancer genes in non-BRCA mutation individuals, in 1 individual with polyposis with no family history (Foley 2015). The variant was also identified in dbSNP (ID: rs387906231) â€šÃ„ÃºWith Pathogenic alleleâ€šÃ„Ã¹, ClinVar (classified pathogenic by Ambry Genetics, OMIM, and Mayo Clinic Genetic Testing Laboratories), Clinvitae (3x), UMD-LSDB (39x as causal), and Insight Colon Cancer Gene Variant Database (22x). The variant was not identified in Genesight-COGR, Cosmic, Zhejiang Colon Cancer Database, the 1000 Genomes Project, the NHLBI GO Exome Sequencing Project or the Exome Aggregation Consortium (August 8th 2016) control databases. The p.Asp170ValfsX4 variant is predicted to cause a frameshift, which alters the protein's amino acid sequence beginning at codon 170 and leads to a premature stop codon 4 codons downstream. This alteration is then predicted to result in a truncated or absent protein and loss of function. Loss of function variants of the APC gene are an established mechanism of disease in in familial adenomatous polyposis and is the type of variant expected to cause the disorder. In summary, based on the above information this variant meets our laboratoryâ€šÃ„Ã´s criteria to be classified as pathogenic.

Mayo Clinic Laboratories, Mayo Clinic
Classification: Pathogenic. Review status: no assertion criteria provided. Collection method: research. Allele origin: unknown. Observed: 1 variant allele. Not counted in ClinVar's aggregate classification.

Literature cited by the submitters: PubMed 10768871 (cited by 3 submitters); PubMed 15108286 (cited by Ambry Genetics); PubMed 19793053 (cited by 3 submitters); PubMed 20685668 (cited by 4 submitters); PubMed 21779980 (cited by 4 submitters); PubMed 22987206 (cited by 4 submitters); PubMed 1324223 (cited by 4 submitters); PubMed 8730280 (cited by Color Diagnostics, LLC DBA Color Health); PubMed 20223039 (cited by 3 submitters); PubMed 17963004 (cited by Labcorp Genetics (formerly Invitae), Labcorp); PubMed 11247896 (cited by Labcorp Genetics (formerly Invitae), Labcorp and Women's Health and Genetics/Laboratory Corporation of America, LabCorp); PubMed 17026565 (cited by Women's Health and Genetics/Laboratory Corporation of America, LabCorp); PubMed 16461775 (cited by Women's Health and Genetics/Laboratory Corporation of America, LabCorp).